The following is an entry in ClinVar:

ClinVar aggregate classification (germline): Uncertain significance (1 of 4 stars; one submission).

gnomAD v4.1: 3 of 1,611,378 alleles (0.00019%); highest among the groups gnomAD compares: African/African-American, 0.004%; no homozygotes.

Submission:

GeneDx
Classification: Uncertain significance. Last evaluated: 2024-05-13. Review status: criteria provided, single submitter. Criteria: GeneDx Variant Classification Process June 2021. Collection method: clinical testing. Allele origin: germline. Affected: yes.
Comment: Not observed at significant frequency in large population cohorts (gnomAD); In silico analysis indicates that this missense variant does not alter protein structure/function; Has not been previously published as pathogenic or benign to our knowledge

NM_002488.5(NDUFA2):c.25G>A (p.Gly9Arg)

Genes: NDUFA2 (NADH:ubiquinone oxidoreductase subunit A2; minus strand), TMCO6 (transmembrane and coiled-coil domains 6; plus strand). Cytogenetic location: 5q31.3.
Variant type: single nucleotide variant.
Coding change: c.25G>A on transcript NM_002488.5 (MANE Select); coding-DNA position 25, G replaced by A.
Protein change: p.Gly9Arg; replaces glycine 9 with arginine.
Molecular consequence: missense variant. On other transcripts: non-coding transcript variant (1).
Genome position (GRCh38, 1-based): chr5:140,647,559, C>T on the plus strand (G>A on the coding strand, the complement: NDUFA2 is on the minus strand). VCF-style: chr5-140647559-C-T. GRCh37 (hg19) VCF-style: chr5-140027144-C-T.
Other names: c.25G>A, p.Gly9Arg (NM_001185012.2); short protein forms G9R.
Identifiers: ClinVar variation 3378136 (VCV003378136.1).